The following is an entry in ClinVar:

NM_014297.5(ETHE1):c.637C>T (p.Pro213Ser)

Gene: ETHE1 (ETHE1 persulfide dioxygenase; minus strand). Cytogenetic location: 19q13.31.
Variant type: single nucleotide variant.
Coding change: c.637C>T on transcript NM_014297.5 (MANE Select); coding-DNA position 637, C replaced by T.
Protein change: p.Pro213Ser; replaces proline 213 with serine.
Molecular consequence: missense variant.
Genome position (GRCh38, 1-based): chr19:43,508,019, G>A on the plus strand (C>T on the coding strand, the complement: ETHE1 is on the minus strand). VCF-style: chr19-43508019-G-A. GRCh37 (hg19) VCF-style: chr19-44012171-G-A.
Other names: c.604C>T, p.Pro202Ser (NM_001320867.2); c.268C>T, p.Pro90Ser (NM_001320868.2); c.343C>T, p.Pro115Ser (NM_001320869.2); short protein forms P202S, P213S, P90S, P115S.
Identifiers: ClinVar variation 1933388 (VCV001933388.5), dbSNP rs774726187, ClinGen allele CA406174991.

ClinVar aggregate classification (germline): Uncertain significance (1 of 4 stars; one submission).

Conditions:
Ethylmalonic encephalopathy (EE). Also called: EPEMA syndrome; Encephalopathy, petechiae, and ethylmalonic aciduria; Syndrome of encephalopathy, petechiae, and ethylmalonic aciduria. Identifiers: Orphanet 51188, MedGen C1865349, MONDO:0011229, OMIM 602473. Disease mechanism: loss of function.

Submission:

Labcorp Genetics (formerly Invitae), Labcorp
Classification: Uncertain significance for Ethylmalonic encephalopathy. Last evaluated: 2024-02-24. Review status: criteria provided, single submitter. Criteria: Invitae Variant Classification Sherloc (09022015). Collection method: clinical testing. Allele origin: germline.
Comment: This sequence change replaces proline, which is neutral and non-polar, with serine, which is neutral and polar, at codon 213 of the ETHE1 protein (p.Pro213Ser). This variant is not present in population databases (gnomAD no frequency). This variant has not been reported in the literature in individuals affected with ETHE1-related conditions. ClinVar contains an entry for this variant (Variation ID: 1933388). Advanced modeling of protein sequence and biophysical properties (such as structural, functional, and spatial information, amino acid conservation, physicochemical variation, residue mobility, and thermodynamic stability) performed at Invitae indicates that this missense variant is not expected to disrupt ETHE1 protein function with a negative predictive value of 80%. In summary, the available evidence is currently insufficient to determine the role of this variant in disease. Therefore, it has been classified as a Variant of Uncertain Significance.